The following is an entry in ClinVar:

NM_015488.5(PNKD):c.1108C>A (p.Gln370Lys)

Genes: CATIP-AS2 (CATIP antisense RNA 2; minus strand), PNKD (PNKD metallo-beta-lactamase domain containing; plus strand). Cytogenetic location: 2q35.
Variant type: single nucleotide variant.
Coding change: c.1108C>A on transcript NM_015488.5 (MANE Select); coding-DNA position 1108, C replaced by A.
Protein change: p.Gln370Lys; replaces glutamine 370 with lysine.
Molecular consequence: missense variant.
Genome position (GRCh38, 1-based): chr2:218,344,931, C>A. VCF-style: chr2-218344931-C-A. GRCh37 (hg19) VCF-style: chr2-219209654-C-A.
Other names: c.1036C>A, p.Gln346Lys (NM_022572.5); short protein forms Q370K, Q346K.
Identifiers: ClinVar variation 3666611 (VCV003666611.2).

ClinVar aggregate classification (germline): Uncertain significance (1 of 4 stars; one submission).

Conditions:
Paroxysmal nonkinesigenic dyskinesia. Also called: Paroxysmal non-kinesigenic dyskinesia. Identifiers: Orphanet 98810, MedGen C1869117, MONDO:0700088.

Submission:

Labcorp Genetics (formerly Invitae), Labcorp
Classification: Uncertain significance for Paroxysmal nonkinesigenic dyskinesia. Last evaluated: 2024-11-28. Review status: criteria provided, single submitter. Criteria: Invitae Variant Classification Sherloc (09022015). Collection method: clinical testing. Allele origin: germline.
Comment: This sequence change replaces glutamine, which is neutral and polar, with lysine, which is basic and polar, at codon 370 of the PNKD protein (p.Gln370Lys). This variant is not present in population databases (gnomAD no frequency). This variant has not been reported in the literature in individuals affected with PNKD-related conditions. Invitae Evidence Modeling of protein sequence and biophysical properties (such as structural, functional, and spatial information, amino acid conservation, physicochemical variation, residue mobility, and thermodynamic stability) indicates that this missense variant is not expected to disrupt PNKD protein function with a negative predictive value of 80%. In summary, the available evidence is currently insufficient to determine the role of this variant in disease. Therefore, it has been classified as a Variant of Uncertain Significance.